The following is an entry in ClinVar:

NM_002860.4(ALDH18A1):c.1027A>G (p.Ile343Val)

Gene: ALDH18A1 (aldehyde dehydrogenase 18 family member A1; minus strand). Cytogenetic location: 10q24.1.
Variant type: single nucleotide variant.
Coding change: c.1027A>G on transcript NM_002860.4 (MANE Select); coding-DNA position 1027, A replaced by G.
Protein change: p.Ile343Val; replaces isoleucine 343 with valine.
Molecular consequence: missense variant.
Genome position (GRCh38, 1-based): chr10:95,627,493, T>C on the plus strand (A>G on the coding strand, the complement: ALDH18A1 is on the minus strand). VCF-style: chr10-95627493-T-C. GRCh37 (hg19) VCF-style: chr10-97387250-T-C.
Other names: p.Ile343Val; c.1021A>G, p.Ile341Val (NM_001017423.2, NM_001323415.2); c.694A>G, p.Ile232Val (NM_001323412.2, NM_001323416.2); c.1027A>G, p.Ile343Val (NM_001323413.2, NM_001323414.2); c.922A>G, p.Ile308Val (NM_001323417.2); c.688A>G, p.Ile230Val (NM_001323418.2); c.391A>G, p.Ile131Val (NM_001323419.2); short protein forms I131V, I230V, I232V, I308V, I341V, I343V.
Identifiers: ClinVar variation 1175781 (VCV001175781.45), dbSNP rs371294018, ClinGen allele CA5620443.
Genomic context (GRCh38, chr10:95,627,493, plus strand): 5'-ACTATTTACCTGCAGGCTTTACTTCTGAAAAGAAGGTACCAACTTTCTTCCCCTCCACAA[T>C]GTCTGTGATGACGTGCCCAGACACCTTTGGGTGGGTTCCATTGGCAATAACAACAGAAGT-3'
Protein context (NP_002851.2, residues 333-353): PKVSGHVITD[Ile343Val]VEGKKVGTFF

ClinVar aggregate classification (germline): Uncertain significance. Review status: criteria provided, multiple submitters, no conflicts (2 of 4 stars). 5 submissions from 5 submitters: Uncertain significance (5). Last evaluated 2025-10-02.

Conditions:
Inborn genetic diseases. Identifiers: MedGen C0950123, MeSH D030342.
Autosomal dominant spastic paraplegia type 9. Identifiers: MedGen C1832669, MONDO:0015091.
de Barsy syndrome. Also called: Cutis laxa-corneal clouding-oligophrenia syndrome. Identifiers: Orphanet 2962, MedGen C0268354, MONDO:0017569.
Cutis laxa, autosomal dominant 3 (ADCL3). Identifiers: Orphanet 90348, MedGen C4225268, MONDO:0014706, OMIM 616603.

Allele frequency attached by ClinVar (database versions not stated): gnomAD 0.00003; TOPMed 0.00003; ESP Exome Variant Server 0.00008.
gnomAD v4.1: 35 of 1,614,036 alleles (0.0022%); highest among the groups gnomAD compares: Non-Finnish European, 0.0029%; no homozygotes.

Submissions (5):

GeneDx
Classification: Uncertain significance. Last evaluated: 2025-10-02. Review status: criteria provided, single submitter. Criteria: GeneDx Variant Classification Process June 2021. Collection method: clinical testing. Allele origin: germline. Affected: yes.
Comment: Has not been previously published as pathogenic or benign to our knowledge; In silico analysis suggests that this missense variant does not alter protein structure/function

Labcorp Genetics (formerly Invitae), Labcorp
Classification: Uncertain significance for Autosomal dominant spastic paraplegia type 9; de Barsy syndrome; Cutis laxa, autosomal dominant 3. Last evaluated: 2025-10-01. Review status: criteria provided, single submitter. Criteria: Invitae Variant Classification Sherloc (09022015). Collection method: clinical testing. Allele origin: germline.
Comment: This sequence change replaces isoleucine, which is neutral and non-polar, with valine, which is neutral and non-polar, at codon 343 of the ALDH18A1 protein (p.Ile343Val). This variant is present in population databases (rs371294018, gnomAD 0.003%). This variant has not been reported in the literature in individuals affected with ALDH18A1-related conditions. ClinVar contains an entry for this variant (Variation ID: 1175781). Invitae Evidence Modeling of protein sequence and biophysical properties (such as structural, functional, and spatial information, amino acid conservation, physicochemical variation, residue mobility, and thermodynamic stability) indicates that this missense variant is not expected to disrupt ALDH18A1 protein function with a negative predictive value of 95%. In summary, the available evidence is currently insufficient to determine the role of this variant in disease. Therefore, it has been classified as a Variant of Uncertain Significance.

Mayo Clinic Laboratories, Mayo Clinic
Classification: Uncertain significance. Last evaluated: 2025-05-20. Review status: criteria provided, single submitter. Criteria: ACMG Guidelines, 2015. Collection method: clinical testing. Allele origin: germline. Observed: 1 variant allele.
Comment: BP4_moderate

Ambry Genetics
Classification: Uncertain significance for Inborn genetic diseases. Last evaluated: 2022-09-06. Review status: criteria provided, single submitter. Criteria: Ambry Variant Classification Scheme 2023. Collection method: clinical testing. Allele origin: germline.

CeGaT Center for Human Genetics Tuebingen
Classification: Uncertain significance. Last evaluated: 2021-04-01. Review status: criteria provided, single submitter. Criteria: CeGaT Center For Human Genetics Tuebingen Variant Classification Criteria Version 2. Collection method: clinical testing. Allele origin: germline. Affected: yes. Observed: 1 variant allele.